The following is an entry in ClinVar:

NM_153717.3(EVC):c.596del (p.Pro199fs)

Gene: EVC (EvC ciliary complex subunit 1; plus strand). Cytogenetic location: 4p16.2.
Variant type: Deletion.
Coding change: c.596del on transcript NM_153717.3 (MANE Select); coding-DNA position 596, one base deleted (C; older notation c.596delC).
Protein change: p.Pro199fs; shifts the reading frame from proline 199.
Molecular consequence: frameshift variant.
Genome position (GRCh38, 1-based): chr4:5,731,636, C deleted; the last of 3 consecutive C bases (chr4:5,731,634-5,731,636); deleting any one gives the same sequence. VCF-style (leftmost placement, unchanged base first): chr4-5731633-TC-T. GRCh37 (hg19) VCF-style: chr4-5733360-TC-T.
Other names: c.596del, p.Pro199fs (NM_001306090.2, NM_001306092.2); short protein forms P199fs.
Identifiers: ClinVar variation 2946641 (VCV002946641.3), dbSNP rs2474673222, ClinGen allele CA2740091163.

ClinVar aggregate classification (germline): Pathogenic (1 of 4 stars; one submission).

Conditions:
Curry-Hall syndrome (WAD). Also called: WEYERS ACRODENTAL DYSOSTOSIS. Identifiers: Orphanet 952, MedGen C0457013, MONDO:0008673, OMIM 193530.
Ellis-van Creveld syndrome (EVC). Also called: EVC-Related Ellis-van Creveld Syndrome; EVC2-Related Ellis-van Creveld Syndrome; MESOECTODERMAL DYSPLASIA; Chondroectodermal dysplasia. Identifiers: Orphanet 289, MedGen C0013903, MONDO:0009162, OMIM 225500.

Submission:

Labcorp Genetics (formerly Invitae), Labcorp
Classification: Pathogenic for Curry-Hall syndrome; Ellis-van Creveld syndrome. Last evaluated: 2023-04-12. Review status: criteria provided, single submitter. Criteria: Invitae Variant Classification Sherloc (09022015). Collection method: clinical testing. Allele origin: germline.
Comment: This sequence change creates a premature translational stop signal (p.Pro199Leufs*9) in the EVC gene. It is expected to result in an absent or disrupted protein product. Loss-of-function variants in EVC are known to be pathogenic (PMID: 23220543). For these reasons, this variant has been classified as Pathogenic. This variant has not been reported in the literature in individuals affected with EVC-related conditions. This variant is not present in population databases (gnomAD no frequency).

Literature cited by the submitters: PubMed 23220543.